The following is an entry in ClinVar:

NM_000548.5(TSC2):c.3611-16G>A

Gene: TSC2 (TSC complex subunit 2; plus strand). Cytogenetic location: 16p13.3.
Variant type: single nucleotide variant.
Coding change: c.3611-16G>A on transcript NM_000548.5 (MANE Select); 16 bases into the intron before coding-DNA position 3611, G replaced by A.
Molecular consequence: intron variant.
Genome position (GRCh38, 1-based): chr16:2,081,579, G>A. VCF-style: chr16-2081579-G-A. GRCh37 (hg19) VCF-style: chr16-2131580-G-A.
Other names: c.3611-16G>A (NM_001114382.3); c.3482-16G>A (NM_021055.3, NM_001370405.1, NM_001363528.2); c.3479-16G>A (NM_001370404.1, NM_001077183.3); c.3371-16G>A (NM_001318827.2); c.2879-16G>A (NM_001318831.2); c.3335-16G>A (NM_001318829.2); c.3512-16G>A (NM_001318832.2).
Identifiers: ClinVar variation 1615945 (VCV001615945.9), dbSNP rs2151480236, ClinGen allele CA2573151520.
Genomic context (GRCh38, chr16:2,081,579, plus strand): 5'-CAGGAGGCCCCTGGGGGGCCAGAGATGGGTAAGGGGAGGTACTGGCCTCAGGCCAAAGGT[G>A]CTGCCGCCTCCGCAGGGAACACCAGCTGGCTGATGAGCCTGGAGAACCCGCTCAGCCCTT-3'

ClinVar aggregate classification (germline): Likely benign. Review status: criteria provided, multiple submitters, no conflicts (2 of 4 stars). 2 submissions from 2 submitters: Likely benign (2). Last evaluated 2025-05-29.

Conditions:
Tuberous sclerosis 2 (TSC2). Identifiers: Orphanet 805, MedGen C1860707, MONDO:0013199, OMIM 613254.

Submissions (2):

Myriad Genetics, Inc.
Classification: Likely benign for Tuberous sclerosis 2. Last evaluated: 2025-05-29. Review status: criteria provided, single submitter. Criteria: Myriad Autosomal Dominant, Autosomal Recessive and X-Linked Classification Criteria (2023). Collection method: clinical testing. Allele origin: unknown.
Comment: This variant is considered likely benign. This variant is intronic and is not expected to impact mRNA splicing.

Labcorp Genetics (formerly Invitae), Labcorp
Classification: Likely benign for Tuberous sclerosis 2. Last evaluated: 2022-12-31. Review status: criteria provided, single submitter. Criteria: Invitae Variant Classification Sherloc (09022015). Collection method: clinical testing. Allele origin: germline.